The following is an entry in ClinVar:

NM_004333.6(BRAF):c.2114C>T (p.Pro705Leu)

Gene: BRAF (B-Raf proto-oncogene, serine/threonine kinase; minus strand). Cytogenetic location: 7q34.
Variant type: single nucleotide variant.
Coding change: c.2114C>T on transcript NM_004333.6 (MANE Select); coding-DNA position 2114, C replaced by T.
Protein change: p.Pro705Leu; replaces proline 705 with leucine.
Molecular consequence: missense variant.
Genome position (GRCh38, 1-based): chr7:140,739,825, G>A on the plus strand (C>T on the coding strand, the complement: BRAF is on the minus strand). VCF-style: chr7-140739825-G-A. GRCh37 (hg19) VCF-style: chr7-140439625-G-A.
Other names: c.2114C>T, p.Pro705Leu (NM_001354609.2, NM_001378468.1, NM_001378474.1); c.2234C>T, p.Pro745Leu (NM_001374244.1, NM_001374258.1); c.2123C>T, p.Pro708Leu (NM_001378467.1); c.2048C>T, p.Pro683Leu (NM_001378469.1); c.2012C>T, p.Pro671Leu (NM_001378470.1); c.2003C>T, p.Pro668Leu (NM_001378471.1); c.1958C>T, p.Pro653Leu (NM_001378472.1, NM_001378473.1); c.1850C>T, p.Pro617Leu (NM_001378475.1); short protein forms P617L, P653L, P668L, P671L, P683L, P705L, P708L, P745L.
Identifiers: ClinVar variation 4823219 (VCV004823219.4).

ClinVar aggregate classification (germline): Uncertain significance (1 of 4 stars; one submission).

Submission:

CeGaT Center for Human Genetics Tuebingen
Classification: Uncertain significance. Last evaluated: 2026-01-01. Review status: criteria provided, single submitter. Criteria: CeGaT Center For Human Genetics Tuebingen Variant Classification Criteria Version 2. Collection method: clinical testing. Allele origin: germline. Affected: yes. Observed: 1 variant allele.
Comment: BRAF: PM2, PP2, PP3